The following is an entry in ClinVar:

ClinVar aggregate classification (germline): Pathogenic (1 of 4 stars; one submission).

Conditions:
Hereditary retinoblastoma. Identifiers: Orphanet 357027, MedGen C0751483, MONDO:0018160.

Submission:

Ramesar Group, Division of Human Genetics, Institute of Infectious Diseases and Molecular Medicine, UCT/MRC Genomic and Precision Medicine Research Unit, University of Cape Town
Classification: Pathogenic for Hereditary retinoblastoma. Last evaluated: 2025-09-17. Review status: criteria provided, single submitter. Criteria: ACMG Guidelines, 2015. Collection method: research. Allele origin: germline. Affected: yes. Observed: 1 variant allele.

NM_000321.3(RB1):c.1544del (p.Pro515fs)

Gene: RB1 (RB transcriptional corepressor 1; plus strand). Cytogenetic location: 13q14.2.
Variant type: Deletion.
Coding change: c.1544del on transcript NM_000321.3 (MANE Select); coding-DNA position 1544, one base deleted (C; older notation c.1544delC).
Protein change: p.Pro515fs; shifts the reading frame from proline 515.
Molecular consequence: frameshift variant.
Genome position (GRCh38, 1-based): chr13:48,381,292, C deleted; the last of 3 consecutive C bases (chr13:48,381,290-48,381,292); deleting any one gives the same sequence. VCF-style (leftmost placement, unchanged base first): chr13-48381289-TC-T. GRCh37 (hg19) VCF-style: chr13-48955425-TC-T.
Other names: c.1544del, p.Pro515fs (NM_001407165.1, NM_001407166.1); short protein forms P515fs.
Identifiers: ClinVar variation 4759386 (VCV004759386.1).
Genomic context (GRCh38, chr13:48,381,289, plus strand): 5'-TTTTTTTTTCATTTTTAGGAAGTACATCTCAGAATCTTGATTCTGGAACAGATTTGTCTT[TC>T]CCATGGATTCTGAATGTGCTTAATTTAAAAGCCTTTGATTTTTACAAAGTGATCGAAAGT-3'